The following is an entry in ClinVar:

NM_001375.3(DNASE2):c.925G>A (p.Val309Met)

Gene: DNASE2 (deoxyribonuclease 2, lysosomal; minus strand). Cytogenetic location: 19p13.13.
Variant type: single nucleotide variant.
Coding change: c.925G>A on transcript NM_001375.3 (MANE Select); coding-DNA position 925, G replaced by A.
Protein change: p.Val309Met; replaces valine 309 with methionine.
Molecular consequence: missense variant.
Genome position (GRCh38, 1-based): chr19:12,876,148, C>T on the plus strand (G>A on the coding strand, the complement: DNASE2 is on the minus strand). VCF-style: chr19-12876148-C-T. GRCh37 (hg19) VCF-style: chr19-12986962-C-T.
Other names: short protein forms V309M.
Identifiers: ClinVar variation 1349577 (VCV001349577.4), dbSNP rs747693624, ClinGen allele CA9233672.

ClinVar aggregate classification (germline): Uncertain significance (1 of 4 stars; one submission).

Allele frequency attached by ClinVar (database versions not stated): ExAC 0.00001; gnomAD exomes 0.00003.
gnomAD v4.1: 42 of 1,614,236 alleles (0.0026%); highest among the groups gnomAD compares: East Asian, 0.0045%; no homozygotes.

Submission:

Labcorp Genetics (formerly Invitae), Labcorp
Classification: Uncertain significance. Last evaluated: 2023-10-27. Review status: criteria provided, single submitter. Criteria: Invitae Variant Classification Sherloc (09022015). Collection method: clinical testing. Allele origin: germline.
Comment: This sequence change replaces valine, which is neutral and non-polar, with methionine, which is neutral and non-polar, at codon 309 of the DNASE2 protein (p.Val309Met). This variant is present in population databases (rs747693624, gnomAD 0.01%). This variant has not been reported in the literature in individuals affected with DNASE2-related conditions. ClinVar contains an entry for this variant (Variation ID: 1349577). An algorithm developed to predict the effect of missense changes on protein structure and function (PolyPhen-2) suggests that this variant is likely to be disruptive. In summary, the available evidence is currently insufficient to determine the role of this variant in disease. Therefore, it has been classified as a Variant of Uncertain Significance.